The following is an entry in ClinVar:

NM_000038.6(APC):c.5558C>T (p.Pro1853Leu)

Gene: APC (APC regulator of Wnt signaling pathway; plus strand). Cytogenetic location: 5q22.2.
Variant type: single nucleotide variant.
Coding change: c.5558C>T on transcript NM_000038.6 (MANE Select); coding-DNA position 5558, C replaced by T.
Protein change: p.Pro1853Leu; replaces proline 1853 with leucine.
Molecular consequence: missense variant.
Genome position (GRCh38, 1-based): chr5:112,841,152, C>T. VCF-style: chr5-112841152-C-T. GRCh37 (hg19) VCF-style: chr5-112176849-C-T.
Other names: c.5558C>T (NM_000038.5); c.5558C>T, p.Pro1853Leu (NM_001127510.3, NM_001354895.2, NM_001407450.1); c.5504C>T, p.Pro1835Leu (NM_001127511.3); c.5612C>T, p.Pro1871Leu (NM_001354896.2, NM_001407447.1, NM_001407448.1 and 1 more transcripts); c.5588C>T, p.Pro1863Leu (NM_001354897.2); c.5483C>T, p.Pro1828Leu (NM_001354898.2); c.5474C>T, p.Pro1825Leu (NM_001354899.2); c.5435C>T, p.Pro1812Leu (NM_001354900.2); and 12 more; short protein forms P1570L, P1727L, P1762L, P1825L, P1846L, P1853L, P1863L, P1871L.
Identifiers: ClinVar variation 2124002 (VCV002124002.5), dbSNP rs1670197105, ClinGen allele CA16033493.

ClinVar aggregate classification (germline): Uncertain significance. Review status: criteria provided, multiple submitters, no conflicts (2 of 4 stars). 2 submissions from 2 submitters: Uncertain significance (2). Last evaluated 2026-07-29.

Conditions:
Familial adenomatous polyposis 1 (FAP1). Also called: FAMILIAL ADENOMATOUS POLYPOSIS 1, ATTENUATED; POLYPOSIS, ADENOMATOUS INTESTINAL. Identifiers: MedGen C2713442, MONDO:0021056, OMIM 175100. Disease mechanism: loss of function.
Hereditary cancer-predisposing syndrome. Also called: Tumor predisposition; Hereditary Cancer Syndrome; Hereditary neoplastic syndrome; Neoplastic Syndromes, Hereditary. Identifiers: Orphanet 140162, MedGen C0027672, MeSH D009386, MONDO:0015356.

Submissions (2):

Ambry Genetics
Classification: Uncertain significance for Hereditary cancer-predisposing syndrome. Last evaluated: 2026-07-29. Review status: criteria provided, single submitter. Criteria: Ambry Variant Classification Scheme 2023. Collection method: clinical testing. Allele origin: germline.
Comment: The p.P1853L variant (also known as c.5558C>T), located in coding exon 15 of the APC gene, results from a C to T substitution at nucleotide position 5558. The proline at codon 1853 is replaced by leucine, an amino acid with similar properties. This amino acid position is highly conserved in available vertebrate species. In addition, in silico predictors for this gene do not accurately predict pathogenicity. Missense variants in APC are not a common cause of disease (Spier I et al. Genet Med. 2024 Feb;26(2):100992). Based on the available evidence, the clinical significance of this variant remains unclear.

Labcorp Genetics (formerly Invitae), Labcorp
Classification: Uncertain significance for Familial adenomatous polyposis 1. Last evaluated: 2023-02-10. Review status: criteria provided, single submitter. Criteria: Invitae Variant Classification Sherloc (09022015). Collection method: clinical testing. Allele origin: germline.
Comment: This sequence change replaces proline, which is neutral and non-polar, with leucine, which is neutral and non-polar, at codon 1853 of the APC protein (p.Pro1853Leu). This variant is not present in population databases (gnomAD no frequency). This variant has not been reported in the literature in individuals affected with APC-related conditions. Advanced modeling of protein sequence and biophysical properties (such as structural, functional, and spatial information, amino acid conservation, physicochemical variation, residue mobility, and thermodynamic stability) performed at Invitae indicates that this missense variant is not expected to disrupt APC protein function. In summary, the available evidence is currently insufficient to determine the role of this variant in disease. Therefore, it has been classified as a Variant of Uncertain Significance.